The following is an entry in ClinVar:

NM_019098.5(CNGB3):c.129G>C (p.Gln43His)

Gene: CNGB3 (cyclic nucleotide gated channel subunit beta 3; minus strand). Cytogenetic location: 8q21.3.
Variant type: single nucleotide variant.
Coding change: c.129G>C on transcript NM_019098.5 (MANE Select); coding-DNA position 129, G replaced by C.
Protein change: p.Gln43His; replaces glutamine 43 with histidine.
Molecular consequence: missense variant.
Genome position (GRCh38, 1-based): chr8:86,743,499, C>G on the plus strand (G>C on the coding strand, the complement: CNGB3 is on the minus strand). VCF-style: chr8-86743499-C-G. GRCh37 (hg19) VCF-style: chr8-87755727-C-G.
Other names: short protein forms Q43H.
Identifiers: ClinVar variation 865957 (VCV000865957.8), dbSNP rs773587353, ClinGen allele CA4800530.
Genomic context (GRCh38, chr8:86,743,499, plus strand): 5'-GCTATTACCAGATAAGAAATGATGAAAATCAAGGCTTGCATAGGAATGTAGAGGACATAC[C>G]TGTGCTGTGGTTTGCTGAGACTGATTACTTGGGTGAGAGCCTTCTTCATTCCGACGAGAA-3'
Protein context (NP_061971.3, residues 33-53): PSNQSQQTTA[Gln43His]EENKGEEKSL

ClinVar aggregate classification (germline): Uncertain significance. Review status: criteria provided, multiple submitters, no conflicts (2 of 4 stars). 4 submissions from 4 submitters: Uncertain significance (3). 1 of the submissions does not count toward it. Last evaluated 2025-08-04.

Conditions:
Achromatopsia. Also called: Rod monochromatism. Identifiers: Orphanet 49382, MedGen C0152200, MONDO:0018852, HP:0011516.

Allele frequency attached by ClinVar (database versions not stated): gnomAD exomes 0.00001; ExAC 0.00002; gnomAD 0.00002 and 0.00003; TOPMed 0.00002.
gnomAD v4.1: 20 of 1,613,790 alleles (0.0012%); highest among the groups gnomAD compares: South Asian, 0.0055%; no homozygotes.

Submissions (4):

Labcorp Genetics (formerly Invitae), Labcorp
Classification: Uncertain significance. Last evaluated: 2025-08-04. Review status: criteria provided, single submitter. Criteria: Invitae Variant Classification Sherloc (09022015). Collection method: clinical testing. Allele origin: germline.
Comment: This sequence change replaces glutamine, which is neutral and polar, with histidine, which is basic and polar, at codon 43 of the CNGB3 protein (p.Gln43His). This variant also falls at the last nucleotide of exon 1, which is part of the consensus splice site for this exon. This variant is present in population databases (rs773587353, gnomAD 0.006%). This variant has not been reported in the literature in individuals affected with CNGB3-related conditions. ClinVar contains an entry for this variant (Variation ID: 865957). An algorithm developed to predict the effect of missense changes on protein structure and function outputs the following: PolyPhen-2: "Probably Damaging". The histidine amino acid residue is found in multiple mammalian species, which suggests that this missense change does not adversely affect protein function. Variants that disrupt the consensus splice site are a relatively common cause of aberrant splicing (PMID: 17576681, 9536098). Algorithms developed to predict the effect of sequence changes on RNA splicing suggest that this variant may disrupt the consensus splice site. In summary, the available evidence is currently insufficient to determine the role of this variant in disease. Therefore, it has been classified as a Variant of Uncertain Significance.

Blueprint Genetics
Classification: Uncertain significance. Last evaluated: 2024-03-28. Review status: criteria provided, single submitter. Criteria: ACMG Guidelines, 2015. Collection method: clinical testing. Allele origin: germline.

GeneDx
Classification: Uncertain significance. Last evaluated: 2019-11-08. Review status: criteria provided, single submitter. Criteria: GeneDx Variant Classification Process June 2021. Collection method: clinical testing. Allele origin: germline. Affected: yes.
Comment: In silico analysis, which includes protein predictors and evolutionary conservation, supports that this variant does not alter protein structure/function; Has not been previously published as pathogenic or benign to our knowledge

Natera, Inc.
Classification: Uncertain significance for Achromatopsia. Last evaluated: 2020-03-04. Review status: no assertion criteria provided. Collection method: clinical testing. Allele origin: germline. Not counted in ClinVar's aggregate classification.

Literature cited by the submitters: PubMed 17576681 (cited by Labcorp Genetics (formerly Invitae), Labcorp); PubMed 9536098 (cited by Labcorp Genetics (formerly Invitae), Labcorp).